The following is an entry in ClinVar:

ClinVar aggregate classification (germline): Likely benign. Review status: criteria provided, multiple submitters, no conflicts (2 of 4 stars). 3 submissions from 3 submitters: Likely benign (3). Last evaluated 2026-04-01.

Conditions:
Severe combined immunodeficiency due to DNA-PKcs deficiency. Also called: IMMUNODEFICIENCY 26 WITH NEUROLOGIC ABNORMALITIES; Immunodeficiency 26 with or without neurologic abnormalities. Identifiers: Orphanet 317425, MedGen C4014833, MONDO:0014423, OMIM 615966.

Allele frequency attached by ClinVar (database versions not stated): gnomAD exomes 0.00004 and 0.00013; ExAC 0.00020.
gnomAD v4.1: 55 of 1,562,172 alleles (0.0035%); highest among the groups gnomAD compares: Admixed American, 0.056%; no homozygotes.

Submissions (3):

Women's Health and Genetics/Laboratory Corporation of America, LabCorp
Classification: Likely benign. Last evaluated: 2026-04-01. Review status: criteria provided, single submitter. Criteria: LabCorp Variant Classification Summary - May 2015. Collection method: clinical testing. Allele origin: germline.
Comment: Variant summary: PRKDC c.808+17A>G alters a conserved nucleotide located at a position not widely known to affect splicing. Consensus agreement among computation tools predict no significant impact on normal splicing. However, these predictions have yet to be confirmed by functional studies. The variant allele was found at a frequency of 0.00013 in 206198 control chromosomes. This frequency is not significantly higher than estimated for disease-causing variants in PRKDC, allowing no conclusion about variant significance. To our knowledge, no occurrence of c.808+17A>G in individuals affected with PRKDC-related conditions and no experimental evidence demonstrating its impact on protein function have been reported. ClinVar contains an entry for this variant (Variation ID: 1571460). Based on the evidence outlined above, the variant was classified as likely benign.

Labcorp Genetics (formerly Invitae), Labcorp
Classification: Likely benign for Severe combined immunodeficiency due to DNA-PKcs deficiency. Last evaluated: 2026-01-11. Review status: criteria provided, single submitter. Criteria: Invitae Variant Classification Sherloc (09022015). Collection method: clinical testing. Allele origin: germline.

Blueprint Genetics
Classification: Likely benign. Last evaluated: 2024-06-05. Review status: criteria provided, single submitter. Criteria: ACMG Guidelines, 2015. Collection method: clinical testing. Allele origin: germline.

NM_006904.7(PRKDC):c.808+17A>G

Gene: PRKDC (protein kinase, DNA-activated, catalytic subunit; minus strand). Cytogenetic location: 8q11.21.
Variant type: single nucleotide variant.
Coding change: c.808+17A>G on transcript NM_006904.7 (MANE Select); 17 bases into the intron after coding-DNA position 808, A replaced by G.
Molecular consequence: intron variant.
Genome position (GRCh38, 1-based): chr8:47,943,836, T>C on the plus strand (A>G on the coding strand, the complement: PRKDC is on the minus strand). VCF-style: chr8-47943836-T-C. GRCh37 (hg19) VCF-style: chr8-48856396-T-C.
Other names: c.808+17A>G (NM_001081640.2).
Identifiers: ClinVar variation 1571460 (VCV001571460.10), dbSNP rs764431253, ClinGen allele CA4741915.